The following is an entry in ClinVar:

ClinVar aggregate classification (germline): Conflicting classifications of pathogenicity. Review status: criteria provided, conflicting classifications (1 of 4 stars). 5 submissions from 5 submitters: Uncertain significance (2); Likely benign (2). 1 of the submissions does not count toward it. Last evaluated 2025-12-23.

Conditions:
Junctional epidermolysis bullosa with pyloric atresia. Also called: EPIDERMOLYSIS BULLOSA, JUNCTIONAL 5B, WITH PYLORIC ATRESIA; Junctional Epidermolysis Bullosa- Pyloric Atresia Syndrome; APLASIA CUTIS CONGENITA WITH GASTROINTESTINAL ATRESIA; CARMI SYNDROME; EB-PA-ACC; ITGB4-Related Epidermolysis Bullosa with Pyloric Atresia. Identifiers: Orphanet 79403, MedGen C5676875, MONDO:0009183, OMIM 226730.
ITGB4-related disorder. Also called: ITGB4-related condition.

Allele frequency attached by ClinVar (database versions not stated): gnomAD 0.00083 and 0.00079; 1000 Genomes Project 0.00100; TOPMed 0.00097; ExAC 0.00033; ESP Exome Variant Server 0.00108; 1000 Genomes Project 30x 0.00156; gnomAD exomes 0.00028.
gnomAD v4.1: 307 of 1,612,898 alleles (0.019%); highest among the groups gnomAD compares: African/African-American, 0.34%; no homozygotes.

Submissions (5):

Labcorp Genetics (formerly Invitae), Labcorp
Classification: Likely benign. Last evaluated: 2025-12-23. Review status: criteria provided, single submitter. Criteria: Invitae Variant Classification Sherloc (09022015). Collection method: clinical testing. Allele origin: germline.

GeneDx
Classification: Uncertain significance. Last evaluated: 2025-01-13. Review status: criteria provided, single submitter. Criteria: GeneDx Variant Classification Process June 2021. Collection method: clinical testing. Allele origin: germline. Affected: yes.
Comment: Reported in a patient with epidermolysis bullosa in published literature (PMID: 31001817); this patient was also found to harbor variants in other genes; In silico analysis supports that this missense variant has a deleterious effect on protein structure/function; This variant is associated with the following publications: (PMID: 31001817)

Blueprint Genetics
Classification: Uncertain significance. Last evaluated: 2024-06-13. Review status: criteria provided, single submitter. Criteria: ACMG Guidelines, 2015. Collection method: clinical testing. Allele origin: germline.

Illumina Laboratory Services, Illumina
Classification: Likely benign for Junctional epidermolysis bullosa with pyloric atresia. Last evaluated: 2018-01-12. Review status: criteria provided, single submitter. Criteria: ICSL Variant Classification Criteria 13 December 2019. Collection method: clinical testing. Allele origin: germline.
Comment: This variant was observed in the ICSL laboratory as part of a predisposition screen in an ostensibly healthy population. It had not been previously curated by ICSL or reported in the Human Gene Mutation Database (HGMD: prior to June 1st, 2018), and was therefore a candidate for classification through an automated scoring system. Utilizing variant allele frequency, disease prevalence and penetrance estimates, and inheritance mode, an automated score was calculated to assess if this variant is too frequent to cause the disease. Based on the score and internal cut-off values, a variant classified as likely benign is not then subjected to further curation. The score for this variant resulted in a classification of likely benign for this disease.

PreventionGenetics, part of Exact Sciences
Classification: Likely benign for ITGB4-related condition. Last evaluated: 2023-05-31. Review status: no assertion criteria provided. Collection method: clinical testing. Allele origin: germline. Not counted in ClinVar's aggregate classification.
Comment: This variant is classified as likely benign based on ACMG/AMP sequence variant interpretation guidelines (Richards et al. 2015 PMID: 25741868, with internal and published modifications).

NM_000213.5(ITGB4):c.4589C>T (p.Thr1530Met)

Genes: GALK1 (galactokinase 1; minus strand), ITGB4 (integrin subunit beta 4; plus strand). Cytogenetic location: 17q25.1.
Variant type: single nucleotide variant.
Coding change: c.4589C>T on transcript NM_000213.5 (MANE Select); coding-DNA position 4589, C replaced by T.
Protein change: p.Thr1530Met; replaces threonine 1530 with methionine.
Molecular consequence: missense variant. On other transcripts: intron variant (2).
Genome position (GRCh38, 1-based): chr17:75,755,731, C>T. VCF-style: chr17-75755731-C-T. GRCh37 (hg19) VCF-style: chr17-73751812-C-T.
Other names: c.4538C>T, p.Thr1513Met (NM_001005619.2); c.4379C>T, p.Thr1460Met (NM_001005731.3, NM_001321123.2); c.4349-698C>T (NM_001438834.1); c.*22+2303G>A (NM_001381985.1); short protein forms T1460M, T1530M, T1513M.
Identifiers: ClinVar variation 325196 (VCV000325196.16), dbSNP rs140575355, ClinGen allele CA8770247.